The following is an entry in ClinVar:

NM_177924.5(ASAH1):c.281T>C (p.Met94Thr)

Gene: ASAH1 (N-acylsphingosine amidohydrolase 1; minus strand). Cytogenetic location: 8p22.
Variant type: single nucleotide variant.
Coding change: c.281T>C on transcript NM_177924.5 (MANE Select); coding-DNA position 281, T replaced by C.
Protein change: p.Met94Thr; replaces methionine 94 with threonine.
Molecular consequence: missense variant. On other transcripts: intron variant (1).
Genome position (GRCh38, 1-based): chr8:18,069,814, A>G on the plus strand (T>C on the coding strand, the complement: ASAH1 is on the minus strand). VCF-style: chr8-18069814-A-G. GRCh37 (hg19) VCF-style: chr8-17927323-A-G.
Other names: c.86T>C, p.Met29Thr (NM_001363743.2); c.329T>C, p.Met110Thr (NM_004315.6); c.285+1486T>C (NM_001127505.3); short protein forms M110T, M94T, M29T.
Identifiers: ClinVar variation 1436056 (VCV001436056.3), dbSNP rs775066577, ClinGen allele CA4650943.

ClinVar aggregate classification (germline): Uncertain significance (1 of 4 stars; one submission).

Allele frequency attached by ClinVar (database versions not stated): gnomAD 0.00001; gnomAD exomes 0.00004 and 0.00006; ExAC 0.00010.
gnomAD v4.1: 52 of 1,587,214 alleles (0.0033%); highest among the groups gnomAD compares: South Asian, 0.055%; no homozygotes.

Submission:

Labcorp Genetics (formerly Invitae), Labcorp
Classification: Uncertain significance. Last evaluated: 2022-08-16. Review status: criteria provided, single submitter. Criteria: Invitae Variant Classification Sherloc (09022015). Collection method: clinical testing. Allele origin: germline.
Comment: This sequence change replaces methionine, which is neutral and non-polar, with threonine, which is neutral and polar, at codon 94 of the ASAH1 protein (p.Met94Thr). This variant is present in population databases (rs775066577, gnomAD 0.05%). This variant has not been reported in the literature in individuals affected with ASAH1-related conditions. ClinVar contains an entry for this variant (Variation ID: 1436056). Algorithms developed to predict the effect of missense changes on protein structure and function output the following: SIFT: "Tolerated"; PolyPhen-2: "Benign"; Align-GVGD: "Class C0". The threonine amino acid residue is found in multiple mammalian species, which suggests that this missense change does not adversely affect protein function. In summary, the available evidence is currently insufficient to determine the role of this variant in disease. Therefore, it has been classified as a Variant of Uncertain Significance.